The following is an entry in ClinVar:

NM_001401501.2(MUC16):c.1151G>A (p.Arg384Lys)

Gene: MUC16 (mucin 16, cell surface associated; minus strand). Cytogenetic location: 19p13.2.
Variant type: single nucleotide variant.
Coding change: c.1151G>A on transcript NM_001401501.2 (MANE Select); coding-DNA position 1151, G replaced by A.
Protein change: p.Arg384Lys; replaces arginine 384 with lysine.
Molecular consequence: missense variant.
Genome position (GRCh38, 1-based): chr19:8,980,108, C>T on the plus strand (G>A on the coding strand, the complement: MUC16 is on the minus strand). VCF-style: chr19-8980108-C-T. GRCh37 (hg19) VCF-style: chr19-9090784-C-T.
Other names: c.1577G>A, p.Arg526Lys (NM_001414686.1); c.1031G>A, p.Arg344Lys (NM_001414687.1, NM_024690.2); short protein forms R344K, R384K, R526K.
Identifiers: ClinVar variation 3060605 (VCV003060605.2), dbSNP rs73495785, ClinGen allele CA9173487.
Genomic context (GRCh38, chr19:8,980,108, plus strand): 5'-ATAGTCTCTGCTGTCTGCTTTGTGGATATTGATGGAGTCCCCAGAGAGGAAATTGTGCTT[C>T]TGACCCTTTCGGCACTTGTTTCTGCATTGCTTAGTGTCATGGAAAAAGGGATAGCTGAGT-3'
Protein context (NP_001388430.1, residues 374-394): SNAETSAERV[Arg384Lys]STISSLGTPS

ClinVar aggregate classification (germline): Benign (0 of 4 stars; one submission).

Conditions:
MUC16-related disorder. Also called: MUC16-related condition.

Allele frequency attached by ClinVar (database versions not stated): ESP Exome Variant Server 0.12168; ExAC 0.13375; TOPMed 0.13675; gnomAD 0.13904; 1000 Genomes Project 30x 0.16646; 1000 Genomes Project 0.16973.

Submission:

PreventionGenetics, part of Exact Sciences
Classification: Benign for MUC16-related condition. Last evaluated: 2019-11-07. Review status: no assertion criteria provided. Collection method: clinical testing. Allele origin: germline.
Comment: This variant is classified as benign based on ACMG/AMP sequence variant interpretation guidelines (Richards et al. 2015 PMID: 25741868, with internal and published modifications).